The following is an entry in ClinVar:

ClinVar aggregate classification (germline): Uncertain significance (1 of 4 stars; one submission).

Allele frequency attached by ClinVar (database versions not stated): TOPMed 0.00004; gnomAD 0.00004; gnomAD exomes 0.00001.
gnomAD v4.1: 15 of 1,593,218 alleles (0.00094%); highest among the groups gnomAD compares: African/African-American, 0.0067%; no homozygotes.

Submission:

Labcorp Genetics (formerly Invitae), Labcorp
Classification: Uncertain significance. Last evaluated: 2025-10-21. Review status: criteria provided, single submitter. Criteria: Invitae Variant Classification Sherloc (09022015). Collection method: clinical testing. Allele origin: germline.
Comment: This sequence change replaces alanine, which is neutral and non-polar, with threonine, which is neutral and polar, at codon 266 of the TBXA2R protein (p.Ala266Thr). The frequency data for this variant in the population databases is considered unreliable, as metrics indicate poor data quality at this position in the gnomAD database. This variant has not been reported in the literature in individuals affected with TBXA2R-related conditions. ClinVar contains an entry for this variant (Variation ID: 3002182). Invitae Evidence Modeling of protein sequence and biophysical properties (such as structural, functional, and spatial information, amino acid conservation, physicochemical variation, residue mobility, and thermodynamic stability) indicates that this missense variant is not expected to disrupt TBXA2R protein function with a negative predictive value of 80%. In summary, the available evidence is currently insufficient to determine the role of this variant in disease. Therefore, it has been classified as a Variant of Uncertain Significance.

NM_001060.6(TBXA2R):c.796G>A (p.Ala266Thr)

Gene: TBXA2R (thromboxane A2 receptor; minus strand). Cytogenetic location: 19p13.3.
Variant type: single nucleotide variant.
Coding change: c.796G>A on transcript NM_001060.6 (MANE Select); coding-DNA position 796, G replaced by A.
Protein change: p.Ala266Thr; replaces alanine 266 with threonine.
Molecular consequence: missense variant.
Genome position (GRCh38, 1-based): chr19:3,595,924, C>T on the plus strand (G>A on the coding strand, the complement: TBXA2R is on the minus strand). VCF-style: chr19-3595924-C-T. GRCh37 (hg19) VCF-style: chr19-3595922-C-T.
Other names: c.796G>A, p.Ala266Thr (NM_201636.3); short protein forms A266T.
Identifiers: ClinVar variation 3002182 (VCV003002182.3), dbSNP rs1025720541, ClinGen allele CA304367946.